The following is an entry in ClinVar:

ClinVar aggregate classification (germline): Likely pathogenic (1 of 4 stars; one submission).

Conditions:
DDX41-related hematologic malignancy predisposition syndrome. Also called: Myeloproliferative/lymphoproliferative neoplasms, familial (multiple types), susceptibility to; DDX41-Associated Familial Myelodysplastic Syndrome and Acute Myeloid Leukemia. Identifiers: Orphanet 488647, MedGen C4225174, MONDO:0014809, OMIM 616871.

Submission:

Juno Genomics, Hangzhou Juno Genomics, Inc
Classification: Likely pathogenic for DDX41-related hematologic malignancy predisposition syndrome. Review status: criteria provided, single submitter. Criteria: ACMG Guidelines, 2015. Collection method: clinical testing. Allele origin: germline.
Comment: Absent from controls (or at extremely low frequency if recessive) in Genome Aggregation Database.;Null variant in a gene where loss of function (LOF) is a known mechanism of disease.

NM_016222.4(DDX41):c.1302del (p.Val435fs)

Gene: DDX41 (DEAD-box helicase 41; minus strand). Cytogenetic location: 5q35.3.
Variant type: Deletion.
Coding change: c.1302del on transcript NM_016222.4 (MANE Select); coding-DNA position 1302, one base deleted (T; older notation c.1302delT).
Protein change: p.Val435fs; shifts the reading frame from valine 435.
Molecular consequence: frameshift variant.
Genome position (GRCh38, 1-based): chr5:177,513,011, A deleted on the plus strand (T on the coding strand, the reverse complement: DDX41 is on the minus strand). VCF-style (leftmost placement, unchanged base first): chr5-177513010-CA-C. GRCh37 (hg19) VCF-style: chr5-176940011-CA-C.
Other names: c.924del, p.Val309fs (NM_001321732.2, NM_001321830.2); short protein forms V309fs, V435fs.
Identifiers: ClinVar variation 5019086 (VCV005019086.2).